The following is an entry in ClinVar:

NM_012330.4(KAT6B):c.2300A>C (p.His767Pro)

Gene: KAT6B (lysine acetyltransferase 6B; plus strand). Cytogenetic location: 10q22.2.
Variant type: single nucleotide variant.
Coding change: c.2300A>C on transcript NM_012330.4 (MANE Select); coding-DNA position 2300, A replaced by C.
Protein change: p.His767Pro; replaces histidine 767 with proline.
Molecular consequence: missense variant. On other transcripts: intron variant (2).
Genome position (GRCh38, 1-based): chr10:74,981,855, A>C. VCF-style: chr10-74981855-A-C. GRCh37 (hg19) VCF-style: chr10-76741613-A-C.
Other names: c.193-7164A>C (NM_001370135.1); c.1751A>C, p.His584Pro (NM_001256468.2, NM_001370138.1); c.1424A>C, p.His475Pro (NM_001256469.2, NM_001370132.1, NM_001370139.1 and 3 more transcripts); c.377A>C, p.His126Pro (NM_001370134.1); c.2300A>C, p.His767Pro (NM_001370136.1, NM_001370137.1); c.1235A>C, p.His412Pro (NM_001370143.1, NM_001370144.1); c.847-7164A>C (NM_001370133.1); short protein forms H126P, H412P, H475P, H584P, H767P.
Identifiers: ClinVar variation 4526488 (VCV004526488.1).
Genomic context (GRCh38, chr10:74,981,855, plus strand): 5'-AGCTTTACCTGTGTGAATTCTGTCTTAAATATATGAAAAGTAAAAATATTTTGCTAAGAC[A>C]CTCCAAGAAGTGTGGATGGTTTCATCCTCCAGCAAATGAAATTTACCGAAGGAAAGACCT-3'
Protein context (NP_036462.2, residues 757-777): YMKSKNILLR[His767Pro]SKKCGWFHPP

ClinVar aggregate classification (germline): Uncertain significance (1 of 4 stars; one submission).

Conditions:
Genitopatellar syndrome (GTPTS). Also called: Genitopatellar syndrome (GPS); ABSENT PATELLAE, SCROTAL HYPOPLASIA, RENAL ANOMALIES, FACIAL DYSMORPHISM, AND MENTAL RETARDATION. Identifiers: Orphanet 85201, MedGen C1853566, MONDO:0011640, OMIM 606170.

Submission:

MVZ Medizinische Genetik Mainz
Classification: Uncertain significance for Genitopatellar syndrome. Last evaluated: 2025-09-12. Review status: criteria provided, single submitter. Criteria: UK Practice Guidelines For Variant Classification V4 01 2020. Collection method: clinical testing. Allele origin: germline. Inheritance: Autosomal dominant inheritance. Affected: yes. Observed: 1 variant allele.
Comment: ACMG Criteria: PP3_MOD,PM2_SUP